The following is an entry in ClinVar:

ClinVar aggregate classification (germline): Uncertain significance (1 of 4 stars; one submission).

Submission:

Labcorp Genetics (formerly Invitae), Labcorp
Classification: Uncertain significance. Last evaluated: 2022-10-04. Review status: criteria provided, single submitter. Criteria: Invitae Variant Classification Sherloc (09022015). Collection method: clinical testing. Allele origin: germline.
Comment: This variant has not been reported in the literature in individuals affected with BLK-related conditions. This sequence change replaces serine, which is neutral and polar, with threonine, which is neutral and polar, at codon 147 of the BLK protein (p.Ser147Thr). This variant is not present in population databases (gnomAD no frequency). Algorithms developed to predict the effect of missense changes on protein structure and function are either unavailable or do not agree on the potential impact of this missense change (SIFT: "Deleterious"; PolyPhen-2: "Benign"; Align-GVGD: "Class C0"). In summary, the available evidence is currently insufficient to determine the role of this variant in disease. Therefore, it has been classified as a Variant of Uncertain Significance.

NM_001715.3(BLK):c.439T>A (p.Ser147Thr)

Genes: BLK (BLK proto-oncogene, Src family tyrosine kinase), LOC126860303 (CDK7 strongly-dependent group 2 enhancer GRCh37_chr8:11407118-11408317). Cytogenetic location: 8p23.1.
Variant type: single nucleotide variant.
Coding change: c.439T>A on transcript NM_001715.3 (MANE Select); coding-DNA position 439, T replaced by A.
Protein change: p.Ser147Thr; replaces serine 147 with threonine.
Molecular consequence: missense variant.
Genome position (GRCh38, 1-based): chr8:11,550,229, T>A. VCF-style: chr8-11550229-T-A. GRCh37 (hg19) VCF-style: chr8-11407738-T-A.
Other names: c.226T>A, p.Ser76Thr (NM_001330465.2); short protein forms S147T, S76T.
Identifiers: ClinVar variation 1720446 (VCV001720446.6), dbSNP rs2486387002, ClinGen allele CA370312415.
Genomic context (GRCh38, chr8:11,550,229, plus strand): 5'-AGATCACAGGGTCGGAAGGAGGCTGAGAGGCAGCTTCTTGCTCCAATCAACAAGGCCGGC[T>A]CCTTTCTTATCAGAGAGAGTGAAACCAACAAAGGTAGGCTTGGTGGCTTTGCCTGCCTTC-3'
Protein context (NP_001706.2, residues 137-157): QLLAPINKAG[Ser147Thr]FLIRESETNK